The following is an entry in ClinVar:

ClinVar aggregate classification (germline): Uncertain significance (1 of 4 stars; one submission).

Submission:

GeneDx
Classification: Uncertain significance. Last evaluated: 2026-07-27. Review status: criteria provided, single submitter. Criteria: GeneDx Variant Classification Process June 2021. Collection method: clinical testing. Allele origin: germline.
Comment: Not observed at significant frequency in large population cohorts (gnomAD); In silico analysis supports that this missense variant has a deleterious effect on protein structure/function; Has not been previously published as pathogenic or benign to our knowledge

NM_005862.3(STAG1):c.922A>G (p.Arg308Gly)

Gene: STAG1 (STAG1 cohesin complex component; minus strand). Cytogenetic location: 3q22.3.
Variant type: single nucleotide variant.
Coding change: c.922A>G on transcript NM_005862.3 (MANE Select); coding-DNA position 922, A replaced by G.
Protein change: p.Arg308Gly; replaces arginine 308 with glycine.
Molecular consequence: missense variant.
Genome position (GRCh38, 1-based): chr3:136,477,393, T>C on the plus strand (A>G on the coding strand, the complement: STAG1 is on the minus strand). VCF-style: chr3-136477393-T-C. GRCh37 (hg19) VCF-style: chr3-136196235-T-C.
Other names: short protein forms R308G.
Identifiers: ClinVar variation 4539907 (VCV004539907.2).